The following is an entry in ClinVar:

NC_000001.10:g.(?_156105693)_(156106165_?)del

Gene: LMNA (lamin A/C; plus strand). Cytogenetic location: 1q22.
Variant type: Deletion.
Identifiers: ClinVar variation 1347909 (VCV001347909.7).

ClinVar aggregate classification (germline): Pathogenic (1 of 4 stars; one submission).

Conditions:
Charcot-Marie-Tooth disease type 2. Also called: Charcot-Marie-Tooth type 2. Identifiers: Orphanet 64746, MedGen C0270914, MONDO:0018993.

Submission:

Labcorp Genetics (formerly Invitae), Labcorp
Classification: Pathogenic for Charcot-Marie-Tooth disease type 2. Last evaluated: 2022-08-16. Review status: criteria provided, single submitter. Criteria: Invitae Variant Classification Sherloc (09022015). Collection method: clinical testing. Allele origin: germline.
Comment: For these reasons, this variant has been classified as Pathogenic. This variant disrupts a region of the LMNA protein in which other variant(s) (p.Arg377His) have been determined to be pathogenic (PMID: 10814726, 12673789, 24990833, 26443318, 27220833). This suggests that this is a clinically significant region of the protein, and that variants that disrupt it are likely to be disease-causing. This variant has not been reported in the literature in individuals affected with LMNA-related conditions. This variant results in the deletion of part of exons 6-7 (c.942_1322del) of the LMNA gene. This variant would be expected to be in-frame, preserving the integrity of the reading frame.

Literature cited by the submitters: PubMed 10814726; PubMed 12673789; PubMed 24990833; PubMed 26443318; PubMed 27220833.